The following is an entry in ClinVar:

NM_000053.4(ATP7B):c.3472G>C (p.Gly1158Arg)

Gene: ATP7B (ATPase copper transporting beta; minus strand). Cytogenetic location: 13q14.3.
Variant type: single nucleotide variant.
Coding change: c.3472G>C on transcript NM_000053.4 (MANE Select); coding-DNA position 3472, G replaced by C.
Protein change: p.Gly1158Arg; replaces glycine 1158 with arginine.
Molecular consequence: missense variant.
Genome position (GRCh38, 1-based): chr13:51,941,165, C>G on the plus strand (G>C on the coding strand, the complement: ATP7B is on the minus strand). VCF-style: chr13-51941165-C-G. GRCh37 (hg19) VCF-style: chr13-52515301-C-G.
Other names: c.3295G>C, p.Gly1099Arg (NM_001406524.1); c.3277G>C, p.Gly1093Arg (NM_001406525.1); c.3472G>C, p.Gly1158Arg (NM_001406526.1, NM_001406511.1, NM_001406512.1); c.3238G>C, p.Gly1080Arg (NM_001406527.1, NM_001406528.1, NM_001330578.2); c.3232G>C, p.Gly1078Arg (NM_001406530.1); c.3220G>C, p.Gly1074Arg (NM_001406531.1, NM_001406532.1, NM_001330579.2); c.3184G>C, p.Gly1062Arg (NM_001406534.1); c.3142G>C, p.Gly1048Arg (NM_001406535.1, NM_001406536.1); and 18 more; short protein forms G1078R, G1099R, G1126R, G728R, G964R, G1009R, G1048R, G1110R.
Identifiers: ClinVar variation 2154616 (VCV002154616.4), dbSNP rs776086518, ClinGen allele CA6988676.

ClinVar aggregate classification (germline): Uncertain significance. Review status: criteria provided, multiple submitters, no conflicts (2 of 4 stars). 4 submissions from 4 submitters: Uncertain significance (4). Last evaluated 2024-03-26.

Conditions:
Wilson disease (WND). Also called: Wilson's disease. Identifiers: Orphanet 905, MedGen C0019202, MONDO:0010200, OMIM 277900. Disease mechanism: loss of function.

Submissions (4):

Genomic Medicine Center of Excellence, King Faisal Specialist Hospital and Research Centre
Classification: Uncertain significance for Wilson disease. Last evaluated: 2024-03-26. Review status: criteria provided, single submitter. Criteria: ACMG Guidelines, 2015. Collection method: clinical testing. Allele origin: germline.

All of Us Research Program, National Institutes of Health
Classification: Uncertain significance for Wilson disease. Last evaluated: 2023-08-23. Review status: criteria provided, single submitter. Criteria: ACMG Guidelines, 2015. Collection method: clinical testing. Allele origin: germline. Inheritance: Autosomal recessive inheritance. Observed: 1 variant allele, 1 heterozygote.
Comment: This missense variant replaces glycine with arginine at codon 1158 of the ATP7B protein. Computational prediction suggests that this variant may have deleterious impact on protein structure and function (internally defined REVEL score threshold >= 0.7, PMID: 27666373). This variant is located in the N domain (a.a. 1032 - 1196), a functionally important region that binds ATP required for ATP hydrolysis that provides energy needed for transportation of copper (PMID: 35245129). To our knowledge, functional studies have not been reported for this variant. This variant has not been reported in individuals affected with ATP7B-related disorders in the literature. This variant has been identified in 4/249586 chromosomes in the general population by the Genome Aggregation Database (gnomAD). The available evidence is insufficient to determine the role of this variant in disease conclusively. Therefore, this variant is classified as a Variant of Uncertain Significance.

This study involves interpretation of variants in research participants for the purpose of population health screening. Participant phenotype was not available at the time of variant classification. Additional details can be found in publication PMID: 35346344, PMCID: PMC8962531

3billion
Classification: Uncertain significance for Wilson disease. Last evaluated: 2023-02-23. Review status: criteria provided, single submitter. Criteria: ACMG Guidelines, 2015. Collection method: clinical testing. Allele origin: unknown. Affected: yes.
Comment: The variant is observed at an extremely low frequency in the gnomAD v2.1.1 dataset (total allele frequency: 0.002%). In silico tool predictions suggest damaging effect of the variant on gene or gene product (REVEL: 0.77; 3Cnet: 0.98). A different missense change at the same codon (p.Gly1158Val) has been reported to be associated with ATP7B related disorder (PMID: 21610751). However the evidence of pathogenicity is insufficient at this time. Therefore, this variant is classified as VUS according to the recommendation of ACMG/AMP guideline.

Labcorp Genetics (formerly Invitae), Labcorp
Classification: Uncertain significance for Wilson disease. Last evaluated: 2022-06-12. Review status: criteria provided, single submitter. Criteria: Invitae Variant Classification Sherloc (09022015). Collection method: clinical testing. Allele origin: germline.
Comment: This sequence change replaces glycine, which is neutral and non-polar, with arginine, which is basic and polar, at codon 1158 of the ATP7B protein (p.Gly1158Arg). This variant is present in population databases (rs776086518, gnomAD 0.01%). This variant has not been reported in the literature in individuals affected with ATP7B-related conditions. Advanced modeling of protein sequence and biophysical properties (such as structural, functional, and spatial information, amino acid conservation, physicochemical variation, residue mobility, and thermodynamic stability) performed at Invitae indicates that this missense variant is expected to disrupt ATP7B protein function. In summary, the available evidence is currently insufficient to determine the role of this variant in disease. Therefore, it has been classified as a Variant of Uncertain Significance.

Literature cited by the submitters: PubMed 35245129 (cited by All of Us Research Program, National Institutes of Health); PubMed 21610751 (cited by 3billion).